The following is an entry in ClinVar:

ClinVar aggregate classification (germline): Likely benign. Review status: criteria provided, multiple submitters, no conflicts (2 of 4 stars). 4 submissions from 4 submitters: Likely benign (4). Last evaluated 2026-02-04.

Submissions (4):

Labcorp Genetics (formerly Invitae), Labcorp
Classification: Likely benign. Last evaluated: 2026-02-04. Review status: criteria provided, single submitter. Criteria: Invitae Variant Classification Sherloc (09022015). Collection method: clinical testing. Allele origin: germline.

Blueprint Genetics
Classification: Likely benign. Last evaluated: 2024-11-22. Review status: criteria provided, single submitter. Criteria: ACMG Guidelines, 2015. Collection method: clinical testing. Allele origin: germline.

Women's Health and Genetics/Laboratory Corporation of America, LabCorp
Classification: Likely benign. Last evaluated: 2024-05-10. Review status: criteria provided, single submitter. Criteria: LabCorp Variant Classification Summary - May 2015. Collection method: clinical testing. Allele origin: germline.
Comment: Variant summary: USH2A c.4252-16_4252-13dupCTTT alters a nucleotide located at a position not widely known to affect splicing. Consensus agreement among computation tools predict no significant impact on normal splicing. However, these predictions have yet to be confirmed by functional studies. The variant allele was found at a frequency of 0.0006 in 244842 control chromosomes. This frequency is not significantly higher than estimated for a pathogenic variant in USH2A causing Usher Syndrome (0.0006 vs 0.011), allowing no conclusion about variant significance. To our knowledge, no occurrence of c.4252-16_4252-13dupCTTT in individuals affected with Usher Syndrome and no experimental evidence demonstrating its impact on protein function have been reported. ClinVar contains an entry for this variant (Variation ID: 295427). Based on the evidence outlined above, the variant was classified as likely benign.

GeneDx
Classification: Likely benign. Last evaluated: 2022-05-09. Review status: criteria provided, single submitter. Criteria: GeneDx Variant Classification Process June 2021. Collection method: clinical testing. Allele origin: germline. Affected: yes.
Comment: See Variant Classification Assertion Criteria.

NM_206933.4(USH2A):c.4252-36CTTT[7]

Gene: USH2A (usherin; minus strand). Cytogenetic location: 1q41.
Variant type: Microsatellite.
Coding change: c.4252-36CTTT[7] on transcript NM_206933.4 (MANE Select); seven copies in a row of the 4-base unit CTTT starting at c.4252-36; the reference has six copies in a row; one copy, 4 bases duplicated.
Molecular consequence: intron variant.
Genome position (GRCh38, 1-based): chr1:216,190,380-216,190,383, AAAG duplicated on the plus strand (CTTT on the coding strand, the reverse complement: USH2A is on the minus strand); duplicating any 4 consecutive bases within chr1:216,190,380-216,190,404 gives the same sequence; the position shown is the placement nearest the transcript's 3' end. VCF-style (leftmost placement, unchanged base first): chr1-216190379-A-AAAAG. GRCh37 (hg19) VCF-style: chr1-216363721-A-AAAAG.
Other names: c.4252-36CTTT[7] (NM_007123.6); c.4252-16_4252-13dupCTTT (NM_206933.4).
Identifiers: ClinVar variation 295427 (VCV000295427.18), dbSNP rs372388546, ClinGen allele CA1395762.